The following is an entry in ClinVar:

NM_017617.5(NOTCH1):c.591C>T (p.Asn197=)

Gene: NOTCH1 (notch receptor 1; minus strand). Cytogenetic location: 9q34.3.
Variant type: single nucleotide variant.
Coding change: c.591C>T on transcript NM_017617.5 (MANE Select); coding-DNA position 591, C replaced by T.
Protein change: p.Asn197=; no amino-acid change (asparagine 197 retained).
Molecular consequence: synonymous variant.
Genome position (GRCh38, 1-based): chr9:136,523,001, G>A on the plus strand (C>T on the coding strand, the complement: NOTCH1 is on the minus strand). VCF-style: chr9-136523001-G-A. GRCh37 (hg19) VCF-style: chr9-139417453-G-A.
Other names: c.591C>T, p.Asn197= (LRG_1122t1).
Identifiers: ClinVar variation 477953 (VCV000477953.25), dbSNP rs370684825, ClinGen allele CA5342118.
Genomic context (GRCh38, chr9:136,523,001, plus strand): 5'-CCGCTCGCAGTTGGGGCCAGTGTGGGTGGCGCGGCAGACGCAGCGGTAGGAGCCGACCTC[G>A]TTGTGGCAGGTGCCTCCGTGGCGGCAAAGCCCGGGCTTCTGGCCACACTCGTTGACATCC-3'
Protein context (NP_060087.3, residues 187-207): GLCRHGGTCH[Asn197=]EVGSYRCVCR

ClinVar aggregate classification (germline): Benign/Likely benign. Review status: criteria provided, multiple submitters, no conflicts (2 of 4 stars). 8 submissions from 7 submitters: Benign (2); Likely benign (6). Last evaluated 2026-01-21.

Conditions:
Adams-Oliver syndrome 5 (AOS5). Identifiers: Orphanet 974, MedGen C4014970, MONDO:0014459, OMIM 616028.
Familial thoracic aortic aneurysm and aortic dissection (TAAD). Also called: Thoracic aortic aneurysms and dissections. Identifiers: Orphanet 91387, MedGen C4707243, MONDO:0019625.
Aortic valve disease 1 (AOVD1). Identifiers: MedGen C3887892, MONDO:0024523, OMIM 109730.

Allele frequency attached by ClinVar (database versions not stated): gnomAD exomes 0.00004 and 0.00011; ESP Exome Variant Server 0.00008; TOPMed 0.00010; gnomAD 0.00013 and 0.00015; 1000 Genomes Project 30x 0.00016; ExAC 0.00016; 1000 Genomes Project 0.00020.
gnomAD v4.1: 75 of 1,554,900 alleles (0.0048%); highest among the groups gnomAD compares: Admixed American, 0.052%; no homozygotes.

Submissions (8):

Labcorp Genetics (formerly Invitae), Labcorp
Classification: Likely benign for Adams-Oliver syndrome 5. Last evaluated: 2026-01-21. Review status: criteria provided, single submitter. Criteria: Invitae Variant Classification Sherloc (09022015). Collection method: clinical testing. Allele origin: germline.

CeGaT Center for Human Genetics Tuebingen
Classification: Likely benign. Last evaluated: 2025-07-01. Review status: criteria provided, single submitter. Criteria: CeGaT Center For Human Genetics Tuebingen Variant Classification Criteria Version 2. Collection method: clinical testing. Allele origin: germline. Affected: yes. Observed: 1 variant allele.
Comment: NOTCH1: BP4, BP7

Blueprint Genetics
Classification: Likely benign. Last evaluated: 2024-03-01. Review status: criteria provided, single submitter. Criteria: ACMG Guidelines, 2015. Collection method: clinical testing. Allele origin: germline.

Genome-Nilou Lab
Classification: Benign for Adams-Oliver syndrome 5. Last evaluated: 2022-03-15. Review status: criteria provided, single submitter. Criteria: ACMG Guidelines, 2015. Collection method: clinical testing. Allele origin: germline. Affected: no.

Genome-Nilou Lab
Classification: Benign for Aortic valve disease 1. Last evaluated: 2022-03-15. Review status: criteria provided, single submitter. Criteria: ACMG Guidelines, 2015. Collection method: clinical testing. Allele origin: germline. Affected: no.

GeneDx
Classification: Likely benign. Last evaluated: 2020-12-16. Review status: criteria provided, single submitter. Criteria: GeneDx Variant Classification Process June 2021. Collection method: clinical testing. Allele origin: germline. Affected: yes.

Ambry Genetics
Classification: Likely benign for Familial thoracic aortic aneurysm and aortic dissection. Last evaluated: 2020-12-01. Review status: criteria provided, single submitter. Criteria: Ambry Variant Classification Scheme 2023. Collection method: clinical testing. Allele origin: germline.

CHEO Genetics Diagnostic Laboratory, Children's Hospital of Eastern Ontario
Classification: Likely benign for Familial thoracic aortic aneurysm and aortic dissection. Last evaluated: 2020-06-19. Review status: criteria provided, single submitter. Criteria: ACMG Guidelines, 2015. Collection method: clinical testing. Allele origin: germline.